The following is an entry in ClinVar:

ClinVar aggregate classification (germline): Uncertain significance. Review status: criteria provided, multiple submitters, no conflicts (2 of 4 stars). 2 submissions from 2 submitters: Uncertain significance (2). Last evaluated 2025-02-05.

Conditions:
Senior-Loken syndrome 9 (SLSN9). Identifiers: Orphanet 3156, MedGen C4225263, MONDO:0014712, OMIM 616629.

Allele frequency attached by ClinVar (database versions not stated): gnomAD 0.00004 and 0.00005; gnomAD exomes 0.00002; ExAC 0.00001; TOPMed 0.00005.
gnomAD v4.1: 31 of 1,545,938 alleles (0.002%); highest among the groups gnomAD compares: Middle Eastern, 0.018%; no homozygotes.

Submissions (2):

Revvity Omics, Revvity
Classification: Uncertain significance for Senior-Loken syndrome 9. Last evaluated: 2025-02-05. Review status: criteria provided, single submitter. Criteria: ACMG Guidelines, 2015. Collection method: clinical testing. Allele origin: germline.

Labcorp Genetics (formerly Invitae), Labcorp
Classification: Uncertain significance. Last evaluated: 2022-02-09. Review status: criteria provided, single submitter. Criteria: Invitae Variant Classification Sherloc (09022015). Collection method: clinical testing. Allele origin: germline.
Comment: This sequence change replaces arginine, which is basic and polar, with tryptophan, which is neutral and slightly polar, at codon 271 of the TRAF3IP1 protein (p.Arg271Trp). This variant is present in population databases (rs199726432, gnomAD 0.009%). This variant has not been reported in the literature in individuals affected with TRAF3IP1-related conditions. ClinVar contains an entry for this variant (Variation ID: 1041743). Algorithms developed to predict the effect of missense changes on protein structure and function are either unavailable or do not agree on the potential impact of this missense change (SIFT: "Deleterious"; PolyPhen-2: "Benign"; Align-GVGD: "Class C0"). In summary, the available evidence is currently insufficient to determine the role of this variant in disease. Therefore, it has been classified as a Variant of Uncertain Significance.

NM_015650.4(TRAF3IP1):c.811C>T (p.Arg271Trp)

Gene: TRAF3IP1 (TRAF3 interacting protein 1; plus strand). Cytogenetic location: 2q37.3.
Variant type: single nucleotide variant.
Coding change: c.811C>T on transcript NM_015650.4 (MANE Select); coding-DNA position 811, C replaced by T.
Protein change: p.Arg271Trp; replaces arginine 271 with tryptophan.
Molecular consequence: missense variant.
Genome position (GRCh38, 1-based): chr2:238,329,238, C>T. VCF-style: chr2-238329238-C-T. GRCh37 (hg19) VCF-style: chr2-239237879-C-T.
Other names: c.811C>T, p.Arg271Trp (NM_001139490.1); short protein forms R271W.
Identifiers: ClinVar variation 1041743 (VCV001041743.5), dbSNP rs199726432, ClinGen allele CA2198151.